The following is an entry in ClinVar:

ClinVar aggregate classification (germline): Likely benign. Review status: criteria provided, multiple submitters, no conflicts (2 of 4 stars). 3 submissions from 3 submitters: Likely benign (3). Last evaluated 2026-07-01.

Allele frequency attached by ClinVar (database versions not stated): ExAC 0.00037; gnomAD exomes 0.00042; gnomAD 0.00049 and 0.00051; TOPMed 0.00050; ESP Exome Variant Server 0.00054.
gnomAD v4.1: 1,406 of 1,611,648 alleles (0.087%); highest among the groups gnomAD compares: Non-Finnish European, 0.11%; 1 homozygote.

Submissions (3):

CeGaT Center for Human Genetics Tuebingen
Classification: Likely benign. Last evaluated: 2026-07-01. Review status: criteria provided, single submitter. Criteria: CeGaT Center For Human Genetics Tuebingen Variant Classification Criteria Version 2. Collection method: clinical testing. Allele origin: germline. Affected: yes. Observed: 6 variant alleles.
Comment: HERC2: BP4, BP7

Blueprint Genetics
Classification: Likely benign. Last evaluated: 2024-11-12. Review status: criteria provided, single submitter. Criteria: ACMG Guidelines, 2015. Collection method: clinical testing. Allele origin: germline.

Labcorp Genetics (formerly Invitae), Labcorp
Classification: Likely benign. Last evaluated: 2019-12-31. Review status: criteria provided, single submitter. Criteria: Invitae Variant Classification Sherloc (09022015). Collection method: clinical testing. Allele origin: germline.

NM_004667.6(HERC2):c.3987C>T (p.Val1329=)

Gene: HERC2 (HECT and RLD domain containing E3 ubiquitin protein ligase 2; minus strand). Cytogenetic location: 15q13.1.
Variant type: single nucleotide variant.
Coding change: c.3987C>T on transcript NM_004667.6 (MANE Select); coding-DNA position 3987, C replaced by T.
Protein change: p.Val1329=; no amino-acid change (valine 1329 retained).
Molecular consequence: synonymous variant.
Genome position (GRCh38, 1-based): chr15:28,236,979, G>A on the plus strand (C>T on the coding strand, the complement: HERC2 is on the minus strand). VCF-style: chr15-28236979-G-A. GRCh37 (hg19) VCF-style: chr15-28482125-G-A.
Identifiers: ClinVar variation 710815 (VCV000710815.29), dbSNP rs138699937, ClinGen allele CA7442767.